The following is an entry in ClinVar:

NM_198334.3(GANAB):c.428C>A (p.Ala143Asp)

Gene: GANAB (glucosidase II alpha subunit; minus strand). Cytogenetic location: 11q12.3.
Variant type: single nucleotide variant.
Coding change: c.428C>A on transcript NM_198334.3 (MANE Select); coding-DNA position 428, C replaced by A.
Protein change: p.Ala143Asp; replaces alanine 143 with aspartic acid.
Molecular consequence: missense variant. On other transcripts: 5 prime UTR variant (2).
Genome position (GRCh38, 1-based): chr11:62,634,953, G>T on the plus strand (C>A on the coding strand, the complement: GANAB is on the minus strand). VCF-style: chr11-62634953-G-T. GRCh37 (hg19) VCF-style: chr11-62402425-G-T.
Other names: c.86C>A, p.Ala29Asp (NM_001278192.2, NM_001278193.2); c.137C>A, p.Ala46Asp (NM_001278194.2, NM_001329222.2, NM_001329223.2); c.-349C>A (NM_001329224.2, NM_001329225.2); c.428C>A, p.Ala143Asp (NM_198335.4); c.428C>A (NM_198335.2); short protein forms A143D, A29D, A46D.
Identifiers: ClinVar variation 1805256 (VCV001805256.8), dbSNP rs374728010, ClinGen allele CA6051101.

ClinVar aggregate classification (germline): Uncertain significance. Review status: criteria provided, multiple submitters, no conflicts (2 of 4 stars). 4 submissions from 4 submitters: Uncertain significance (4). Last evaluated 2024-03-13.

Conditions:
Polycystic kidney disease 3 with or without polycystic liver disease. Also called: Polycystic kidney disease 3; Polycystic Kidney and/or Polycystic Liver Disease 3; POLYCYSTIC KIDNEY DISEASE, ADULT, TYPE III. Identifiers: MedGen C3887964, MONDO:0010916, OMIM 600666.
Inborn genetic diseases. Identifiers: MedGen C0950123, MeSH D030342.

gnomAD v4.1: 41 of 1,613,600 alleles (0.0025%); highest among the groups gnomAD compares: Non-Finnish European, 0.0033%; no homozygotes.

Submissions (4):

Fulgent Genetics
Classification: Uncertain significance for Polycystic kidney disease 3 with or without polycystic liver disease. Last evaluated: 2024-03-13. Review status: criteria provided, single submitter. Criteria: ACMG Guidelines, 2015. Collection method: clinical testing. Allele origin: germline.

Ambry Genetics
Classification: Uncertain significance for Inborn genetic diseases. Last evaluated: 2024-01-23. Review status: criteria provided, single submitter. Criteria: Ambry Variant Classification Scheme 2023. Collection method: clinical testing. Allele origin: germline.

Labcorp Genetics (formerly Invitae), Labcorp
Classification: Uncertain significance. Last evaluated: 2022-09-25. Review status: criteria provided, single submitter. Criteria: Invitae Variant Classification Sherloc (09022015). Collection method: clinical testing. Allele origin: germline.
Comment: This sequence change replaces alanine, which is neutral and non-polar, with aspartic acid, which is acidic and polar, at codon 143 of the GANAB protein (p.Ala143Asp). This variant is present in population databases (rs374728010, gnomAD 0.007%). This variant has not been reported in the literature in individuals affected with GANAB-related conditions. Advanced modeling of protein sequence and biophysical properties (such as structural, functional, and spatial information, amino acid conservation, physicochemical variation, residue mobility, and thermodynamic stability) performed at Invitae indicates that this missense variant is not expected to disrupt GANAB protein function. In summary, the available evidence is currently insufficient to determine the role of this variant in disease. Therefore, it has been classified as a Variant of Uncertain Significance.

Victorian Clinical Genetics Services, Murdoch Childrens Research Institute
Classification: Uncertain significance for Polycystic kidney disease 3 with or without polycystic liver disease. Last evaluated: 2022-02-02. Review status: criteria provided, single submitter. Criteria: ACMG Guidelines, 2015. Collection method: clinical testing. Allele origin: germline. Inheritance: Autosomal dominant inheritance. Affected: yes.
Comment: Based on the classification scheme VCGS_Germline_v1.3.4, this variant is classified as VUS-3B. Following criteria are met: 0102 - Loss of function is a known mechanism of disease in this gene and is associated with Polycystic kidney disease 3 (MIM#600666). (I) 0107 - This gene is associated with autosomal dominant disease. (I) 0200 - Variant is predicted to result in a missense amino acid change from alanine to aspartic acid. (I) 0251 - This variant is heterozygous. (I) 0302 - Variant is present in gnomAD <0.001 for a dominant condition (v3: 1 heterozygote, 0 homozygotes). (SP) 0309 - An alternative amino acid change at the same position has been observed in gnomAD (v3: 7 heterozygotes, 0 homozygotes). (I) 0502 - Missense variant with conflicting in silico predictions and uninformative conservation. (I) 0604 - Variant is not located in an established domain, motif, hotspot or informative constraint region. (I) 0705 - No comparable missense variants have previous evidence for pathogenicity. (I) 0807 - This variant has no previous evidence of pathogenicity. (I) 0905 - No published segregation evidence has been identified for this variant. (I) 1007 - No published functional evidence has been identified for this variant. (I) 1208 - Inheritance information for this variant is not currently available in this individual. (I) Legend: (SP) - Supporting pathogenic, (I) - Information, (SB) - Supporting benign